The following is an entry in ClinVar:

NM_002016.2(FLG):c.2192C>A (p.Ser731Ter)

Genes: CCDST (cervical cancer associated DHX9 suppressive transcript; plus strand), FLG (filaggrin; minus strand). Cytogenetic location: 1q21.3.
Variant type: single nucleotide variant.
Coding change: c.2192C>A on transcript NM_002016.2 (MANE Select); coding-DNA position 2192, C replaced by A.
Protein change: p.Ser731Ter; replaces serine 731 with a stop codon.
Molecular consequence: nonsense.
Genome position (GRCh38, 1-based): chr1:152,312,694, G>T on the plus strand (C>A on the coding strand, the complement: FLG is on the minus strand). VCF-style: chr1-152312694-G-T. GRCh37 (hg19) VCF-style: chr1-152285170-G-T.
Other names: short protein forms S731*.
Identifiers: ClinVar variation 5018621 (VCV005018621.1).

ClinVar aggregate classification (germline): Likely pathogenic (1 of 4 stars; one submission).

Conditions:
Dermatitis, atopic, 2. Identifiers: MedGen C1853965, MONDO:0011596, OMIM 605803.
Ichthyosis vulgaris. Also called: ICHTHYOSIS SIMPLEX; Dominant ichthyosis vulgaris. Identifiers: MedGen C0079584, MONDO:0024304, OMIM 146700.

Submission:

Juno Genomics, Hangzhou Juno Genomics, Inc
Classification: Likely pathogenic for Dermatitis, atopic, 2; Ichthyosis vulgaris. Review status: criteria provided, single submitter. Criteria: ACMG Guidelines, 2015. Collection method: clinical testing. Allele origin: germline. Affected: yes.
Comment: Absent from controls (or at extremely low frequency if recessive) in Genome Aggregation Database.;Null variant in a gene where loss of function (LOF) is a known mechanism of disease.;Patient's phenotype or family history is highly specific for a disease with a single genetic etiology.